The following is an entry in ClinVar:

NM_001018113.3(FANCB):c.569G>A (p.Cys190Tyr)

Gene: FANCB (FA complementation group B; minus strand). Cytogenetic location: Xp22.2.
Variant type: single nucleotide variant.
Coding change: c.569G>A on transcript NM_001018113.3 (MANE Select); coding-DNA position 569, G replaced by A.
Protein change: p.Cys190Tyr; replaces cysteine 190 with tyrosine.
Molecular consequence: missense variant.
Genome position (GRCh38, 1-based): chrX:14,864,942, C>T on the plus strand (G>A on the coding strand, the complement: FANCB is on the minus strand). VCF-style: chrX-14864942-C-T. GRCh37 (hg19) VCF-style: chrX-14883064-C-T.
Other names: c.569G>A, p.Cys190Tyr (NM_001324162.2, NM_152633.4); short protein forms C190Y.
Identifiers: ClinVar variation 1390352 (VCV001390352.6), dbSNP rs2147446437, ClinGen allele CA412444211.

ClinVar aggregate classification (germline): Uncertain significance (1 of 4 stars; one submission).

Conditions:
Fanconi anemia (FA). Also called: Fanconi's anemia. Identifiers: Orphanet 84, MedGen C0015625, MeSH D005199, MONDO:0019391.

Submission:

Labcorp Genetics (formerly Invitae), Labcorp
Classification: Uncertain significance for Fanconi anemia. Last evaluated: 2021-10-31. Review status: criteria provided, single submitter. Criteria: Invitae Variant Classification Sherloc (09022015). Collection method: clinical testing. Allele origin: germline.
Comment: Algorithms developed to predict the effect of missense changes on protein structure and function output the following: SIFT: "Tolerated"; PolyPhen-2: "Benign"; Align-GVGD: "Class C0". The tyrosine amino acid residue is found in multiple mammalian species, which suggests that this missense change does not adversely affect protein function. This variant has not been reported in the literature in individuals affected with FANCB-related conditions. This variant is not present in population databases (gnomAD no frequency). This sequence change replaces cysteine, which is neutral and slightly polar, with tyrosine, which is neutral and polar, at codon 190 of the FANCB protein (p.Cys190Tyr). In summary, the available evidence is currently insufficient to determine the role of this variant in disease. Therefore, it has been classified as a Variant of Uncertain Significance.